The following is an entry in ClinVar:

ClinVar aggregate classification (germline): Uncertain significance. Review status: criteria provided, multiple submitters, no conflicts (2 of 4 stars). 4 submissions from 4 submitters: Uncertain significance (4). Last evaluated 2025-07-30.

Allele frequency attached by ClinVar (database versions not stated): ExAC 0.00002; TOPMed 0.00002; gnomAD 0.00003; gnomAD exomes 0.00006.

Submissions (4):

Labcorp Genetics (formerly Invitae), Labcorp
Classification: Uncertain significance. Last evaluated: 2025-07-30. Review status: criteria provided, single submitter. Criteria: Invitae Variant Classification Sherloc (09022015). Collection method: clinical testing. Allele origin: germline.
Comment: This sequence change replaces arginine, which is basic and polar, with cysteine, which is neutral and slightly polar, at codon 218 of the ABCG8 protein (p.Arg218Cys). This variant is present in population databases (rs763000556, gnomAD 0.03%). This variant has not been reported in the literature in individuals affected with ABCG8-related conditions. ClinVar contains an entry for this variant (Variation ID: 594161). Invitae Evidence Modeling of protein sequence and biophysical properties (such as structural, functional, and spatial information, amino acid conservation, physicochemical variation, residue mobility, and thermodynamic stability) has been performed for this missense variant. However, the output from this modeling did not meet the statistical confidence thresholds required to predict the impact of this variant on ABCG8 protein function. Algorithms developed to predict the effect of sequence changes on RNA splicing suggest that this variant may disrupt the consensus splice site. In summary, the available evidence is currently insufficient to determine the role of this variant in disease. Therefore, it has been classified as a Variant of Uncertain Significance.

Blueprint Genetics
Classification: Uncertain significance. Last evaluated: 2024-01-29. Review status: criteria provided, single submitter. Criteria: ACMG Guidelines, 2015. Collection method: clinical testing. Allele origin: germline.

Mayo Clinic Laboratories, Mayo Clinic
Classification: Uncertain significance. Last evaluated: 2021-06-09. Review status: criteria provided, single submitter. Criteria: ACMG Guidelines, 2015. Collection method: clinical testing. Allele origin: germline.

Eurofins Ntd Llc (ga)
Classification: Uncertain significance. Last evaluated: 2017-09-27. Review status: criteria provided, single submitter. Criteria: EGL Classification Definitions 2015. Collection method: clinical testing. Allele origin: germline. Observed: 1 variant allele, 1 heterozygote.

NM_022437.3(ABCG8):c.652C>T (p.Arg218Cys)

Gene: ABCG8 (ATP binding cassette subfamily G member 8; plus strand). Cytogenetic location: 2p21.
Variant type: single nucleotide variant.
Coding change: c.652C>T on transcript NM_022437.3 (MANE Select); coding-DNA position 652, C replaced by T.
Protein change: p.Arg218Cys; replaces arginine 218 with cysteine.
Molecular consequence: missense variant.
Genome position (GRCh38, 1-based): chr2:43,852,444, C>T. VCF-style: chr2-43852444-C-T. GRCh37 (hg19) VCF-style: chr2-44079583-C-T.
Other names: p.Arg218Cys; c.652C>T, p.Arg218Cys (NM_001357321.2); short protein forms R218C.
Identifiers: ClinVar variation 594161 (VCV000594161.12), dbSNP rs763000556, ClinGen allele CA1637105.